The following is an entry in ClinVar:

NM_000548.5:c.1600_2545dup

Gene: TSC2 (TSC complex subunit 2; plus strand).
Variant type: Duplication.
Other names: c.1600_2545dup (NM_000548.5).
Identifiers: ClinVar variation 3777066 (VCV003777066.1).

ClinVar aggregate classification (germline): Pathogenic (1 of 4 stars; one submission).

Conditions:
Tuberous sclerosis 2 (TSC2). Identifiers: Orphanet 805, MedGen C1860707, MONDO:0013199, OMIM 613254.

Submission:

Oasi Research Institute-IRCCS
Classification: Pathogenic for Tuberous sclerosis 2. Review status: criteria provided, single submitter. Criteria: ACMG Guidelines, 2015. Collection method: research. Allele origin: inherited. Affected: yes.
Comment: The genomic variant represents a tandem large duplication within the coding sequence of the gene. This duplication may lead to a frameshift mutation. It is expected to result in an protein truncation or nonsense mediated decay ACMG criteria: PP4 (phenotype match), PM2 (absent from control), PP3 (in silico evidence), PS4 (affected individuals) = Pathogenic. Based on the evidence outlined above, the variant was classified as Pathogenic.